The following is an entry in ClinVar:

NM_000256.3(MYBPC3):c.2438del (p.Lys813fs)

Gene: MYBPC3 (myosin binding protein C3; minus strand). Cytogenetic location: 11p11.2.
Variant type: Deletion.
Coding change: c.2438del on transcript NM_000256.3 (MANE Select); coding-DNA position 2438, one base deleted (A; older notation c.2438delA).
Protein change: p.Lys813fs; shifts the reading frame from lysine 813.
Molecular consequence: frameshift variant.
Genome position (GRCh38, 1-based): chr11:47,337,555, T deleted on the plus strand (A on the coding strand, the reverse complement: MYBPC3 is on the minus strand); the first of 2 consecutive T bases (chr11:47,337,555-47,337,556); deleting either gives the same sequence. VCF-style (leftmost placement, unchanged base first): chr11-47337554-CT-C. GRCh37 (hg19) VCF-style: chr11-47359105-CT-C.
Other names: c.2438delA (NM_000256.3); short protein forms K813fs.
Identifiers: ClinVar variation 652425 (VCV000652425.8), dbSNP rs1595843758, ClinGen allele CA915948148.
Genomic context (GRCh38, chr11:47,337,554, plus strand): 5'-CGCTTCATGACTCAGCTCCTGAATCAGGTCGAAGTTCAGCCGCATCCACCGGTAGCTCTT[CT>C]TCTTCTTGCGCTCCAGGATGTAGCCTGGCTCAGGGGAGGTGGCAGCTCTGGTCTGGAACC-3'

ClinVar aggregate classification (germline): Pathogenic (1 of 4 stars; one submission).

Conditions:
Hypertrophic cardiomyopathy. Also called: HYPERTROPHIC MYOCARDIOPATHY. Identifiers: Orphanet 217569, MedGen C0007194, MeSH D002312, MONDO:0005045, HP:0001639.

Submission:

Labcorp Genetics (formerly Invitae), Labcorp
Classification: Pathogenic for Hypertrophic cardiomyopathy. Last evaluated: 2023-05-07. Review status: criteria provided, single submitter. Criteria: Invitae Variant Classification Sherloc (09022015). Collection method: clinical testing. Allele origin: germline.
Comment: For these reasons, this variant has been classified as Pathogenic. ClinVar contains an entry for this variant (Variation ID: 652425). This variant has not been reported in the literature in individuals affected with MYBPC3-related conditions. This variant is not present in population databases (gnomAD no frequency). This sequence change creates a premature translational stop signal (p.Lys813Argfs*9) in the MYBPC3 gene. It is expected to result in an absent or disrupted protein product. Loss-of-function variants in MYBPC3 are known to be pathogenic (PMID: 19574547).

Literature cited by the submitters: PubMed 19574547.